The following is an entry in ClinVar:

NM_015512.5(DNAH1):c.4609G>A (p.Val1537Met)

Gene: DNAH1 (dynein axonemal heavy chain 1; plus strand). Cytogenetic location: 3p21.1.
Variant type: single nucleotide variant.
Coding change: c.4609G>A on transcript NM_015512.5 (MANE Select); coding-DNA position 4609, G replaced by A.
Protein change: p.Val1537Met; replaces valine 1537 with methionine.
Molecular consequence: missense variant.
Genome position (GRCh38, 1-based): chr3:52,360,348, G>A. VCF-style: chr3-52360348-G-A. GRCh37 (hg19) VCF-style: chr3-52394364-G-A.
Other names: short protein forms V1537M.
Identifiers: ClinVar variation 1898586 (VCV001898586.4), dbSNP rs768532151, ClinGen allele CA2433966.

ClinVar aggregate classification (germline): Uncertain significance (1 of 4 stars; one submission).

Conditions:
Spermatogenic failure 18. Identifiers: MedGen C4539783, MONDO:0054615, OMIM 617576.
Ciliary dyskinesia, primary, 37 (CILD37). Also called: CILIARY DYSKINESIA, PRIMARY, 37, WITH OR WITHOUT SITUS INVERSUS. Identifiers: MedGen C4539798, MONDO:0033204, OMIM 617577.

Allele frequency attached by ClinVar (database versions not stated): gnomAD 0.00001; gnomAD exomes 0.00001; ExAC 0.00002.
gnomAD v4.1: 16 of 1,613,896 alleles (0.00099%); highest among the groups gnomAD compares: Middle Eastern, 0.049%; no homozygotes.

Submission:

Labcorp Genetics (formerly Invitae), Labcorp
Classification: Uncertain significance for Ciliary dyskinesia, primary, 37; Spermatogenic failure 18. Last evaluated: 2024-04-23. Review status: criteria provided, single submitter. Criteria: Invitae Variant Classification Sherloc (09022015). Collection method: clinical testing. Allele origin: germline.
Comment: This sequence change replaces valine, which is neutral and non-polar, with methionine, which is neutral and non-polar, at codon 1537 of the DNAH1 protein (p.Val1537Met). This variant is present in population databases (rs768532151, gnomAD 0.003%). This missense change has been observed in individual(s) with primary ciliary dyskinesia (PMID: 34768622). ClinVar contains an entry for this variant (Variation ID: 1898586). Advanced modeling of protein sequence and biophysical properties (such as structural, functional, and spatial information, amino acid conservation, physicochemical variation, residue mobility, and thermodynamic stability) performed at Invitae indicates that this missense variant is expected to disrupt DNAH1 protein function with a positive predictive value of 80%. In summary, the available evidence is currently insufficient to determine the role of this variant in disease. Therefore, it has been classified as a Variant of Uncertain Significance.

Literature cited by the submitters: PubMed 34768622.